The following is an entry in ClinVar:

ClinVar aggregate classification (germline): Uncertain significance (1 of 4 stars; one submission).

Submission:

GeneDx
Classification: Uncertain significance. Last evaluated: 2025-03-20. Review status: criteria provided, single submitter. Criteria: GeneDx Variant Classification Process June 2021. Collection method: clinical testing. Allele origin: germline. Affected: yes.
Comment: Not observed at significant frequency in large population cohorts (gnomAD); In silico analysis indicates that this missense variant does not alter protein structure/function; Has not been previously published as pathogenic or benign to our knowledge

NM_020795.4(NLGN2):c.2447C>G (p.Pro816Arg)

Gene: NLGN2 (neuroligin 2; plus strand). Cytogenetic location: 17p13.1.
Variant type: single nucleotide variant.
Coding change: c.2447C>G on transcript NM_020795.4 (MANE Select); coding-DNA position 2447, C replaced by G.
Protein change: p.Pro816Arg; replaces proline 816 with arginine.
Molecular consequence: missense variant.
Genome position (GRCh38, 1-based): chr17:7,417,738, C>G. VCF-style: chr17-7417738-C-G. GRCh37 (hg19) VCF-style: chr17-7321057-C-G.
Other names: short protein forms P816R.
Identifiers: ClinVar variation 3373474 (VCV003373474.2).